The following is an entry in ClinVar:

NM_000322.5(PRPH2):c.68del (p.Met23fs)

Gene: PRPH2 (peripherin 2; minus strand). Cytogenetic location: 6p21.1.
Variant type: Deletion.
Coding change: c.68del on transcript NM_000322.5 (MANE Select); coding-DNA position 68, one base deleted (T; older notation c.68delT).
Protein change: p.Met23fs; shifts the reading frame from methionine 23.
Molecular consequence: frameshift variant.
Genome position (GRCh38, 1-based): chr6:42,722,267, A deleted on the plus strand (T on the coding strand, the reverse complement: PRPH2 is on the minus strand). VCF-style (leftmost placement, unchanged base first): chr6-42722266-CA-C. GRCh37 (hg19) VCF-style: chr6-42690004-CA-C.
Other names: short protein forms M23fs.
Identifiers: ClinVar variation 2826558 (VCV002826558.19), dbSNP rs2548309957, ClinGen allele CA2739273034.

ClinVar aggregate classification (germline): Pathogenic. Review status: criteria provided, multiple submitters, no conflicts (2 of 4 stars). 2 submissions from 2 submitters: Pathogenic (2). Last evaluated 2024-08-01.

Conditions:
PRPH2-related disorder. Also called: PRPH2-related condition; PRPH2-related disorders. Identifiers: MedGen CN239395.

Submissions (2):

CeGaT Center for Human Genetics Tuebingen
Classification: Pathogenic. Last evaluated: 2024-08-01. Review status: criteria provided, single submitter. Criteria: CeGaT Center For Human Genetics Tuebingen Variant Classification Criteria Version 2. Collection method: clinical testing. Allele origin: germline. Affected: yes. Observed: 1 variant allele.
Comment: PRPH2: PVS1, PM2, PS4:Supporting

Labcorp Genetics (formerly Invitae), Labcorp
Classification: Pathogenic for PRPH2-related disorder. Last evaluated: 2023-01-06. Review status: criteria provided, single submitter. Criteria: Invitae Variant Classification Sherloc (09022015). Collection method: clinical testing. Allele origin: germline.
Comment: For these reasons, this variant has been classified as Pathogenic. This variant has not been reported in the literature in individuals affected with PRPH2-related conditions. This variant is not present in population databases (gnomAD no frequency). This sequence change creates a premature translational stop signal (p.Met23Argfs*15) in the PRPH2 gene. It is expected to result in an absent or disrupted protein product. Loss-of-function variants in PRPH2 are known to be pathogenic (PMID: 8111389, 8485575, 8485576, 8675410, 16916875, 17504850, 22863181, 25675413, 26061163, 27365499, 29555955, 33546218).

Literature cited by the submitters: PubMed 8111389 (cited by Labcorp Genetics (formerly Invitae), Labcorp); PubMed 8485575 (cited by Labcorp Genetics (formerly Invitae), Labcorp); PubMed 8485576 (cited by Labcorp Genetics (formerly Invitae), Labcorp); PubMed 8675410 (cited by Labcorp Genetics (formerly Invitae), Labcorp); PubMed 16916875 (cited by Labcorp Genetics (formerly Invitae), Labcorp); PubMed 17504850 (cited by Labcorp Genetics (formerly Invitae), Labcorp); PubMed 22863181 (cited by Labcorp Genetics (formerly Invitae), Labcorp); PubMed 25675413 (cited by Labcorp Genetics (formerly Invitae), Labcorp); PubMed 26061163 (cited by Labcorp Genetics (formerly Invitae), Labcorp); PubMed 27365499 (cited by Labcorp Genetics (formerly Invitae), Labcorp); PubMed 29555955 (cited by Labcorp Genetics (formerly Invitae), Labcorp); PubMed 33546218 (cited by Labcorp Genetics (formerly Invitae), Labcorp).